The following is an entry in ClinVar:

ClinVar aggregate classification (germline): Uncertain significance (1 of 4 stars; one submission).

Conditions:
Severe combined immunodeficiency, autosomal recessive, T cell-negative, B cell-negative, NK cell-positive. Also called: SCID, T CELL-NEGATIVE, B CELL-NEGATIVE, NK CELL-POSITIVE; Severe combined immunodeficiency due to complete RAG1/2 deficiency; SCID, AR, T-cell negative, B-cell negative, NK cell-positive. Identifiers: Orphanet 331206, MedGen C1832322, MONDO:0011086, OMIM 601457.
Combined immunodeficiency with skin granulomas. Identifiers: Orphanet 157949, MedGen C2673536, MONDO:0009306, OMIM 233650.

Submission:

Labcorp Genetics (formerly Invitae), Labcorp
Classification: Uncertain significance for Combined immunodeficiency with skin granulomas; Severe combined immunodeficiency, autosomal recessive, T cell-negative, B cell-negative, NK cell-positive. Last evaluated: 2021-12-19. Review status: criteria provided, single submitter. Criteria: Invitae Variant Classification Sherloc (09022015). Collection method: clinical testing. Allele origin: germline.
Comment: This sequence change replaces phenylalanine, which is neutral and non-polar, with leucine, which is neutral and non-polar, at codon 62 of the RAG2 protein (p.Phe62Leu). In summary, the available evidence is currently insufficient to determine the role of this variant in disease. Therefore, it has been classified as a Variant of Uncertain Significance. Experimental studies have shown that this missense change affects RAG2 function (PMID: 29772310). Advanced modeling of protein sequence and biophysical properties (such as structural, functional, and spatial information, amino acid conservation, physicochemical variation, residue mobility, and thermodynamic stability) performed at Invitae indicates that this missense variant is expected to disrupt RAG2 protein function. This missense change has been observed in individual(s) with combined immunodeficiency (PMID: 25842288, 28769923, 29772310). This variant is not present in population databases (gnomAD no frequency).

Literature cited by the submitters: PubMed 29772310; PubMed 25842288; PubMed 28769923.

NM_000536.4(RAG2):c.186C>G (p.Phe62Leu)

Gene: RAG2 (recombination activating 2; minus strand). Cytogenetic location: 11p12.
Variant type: single nucleotide variant.
Coding change: c.186C>G on transcript NM_000536.4 (MANE Select); coding-DNA position 186, C replaced by G.
Protein change: p.Phe62Leu; replaces phenylalanine 62 with leucine.
Molecular consequence: missense variant.
Genome position (GRCh38, 1-based): chr11:36,593,983, G>C on the plus strand (C>G on the coding strand, the complement: RAG2 is on the minus strand). VCF-style: chr11-36593983-G-C. GRCh37 (hg19) VCF-style: chr11-36615533-G-C.
Other names: c.186C>G, p.Phe62Leu (NM_001243785.2, NM_001243786.2); short protein forms F62L.
Identifiers: ClinVar variation 2047595 (VCV002047595.4), dbSNP rs1564997563, ClinGen allele CA380144249.